The following is an entry in ClinVar:

ClinVar aggregate classification (germline): Uncertain significance (1 of 4 stars; one submission).

Conditions:
Hereditary pancreatitis (PCTT). Also called: Hereditary chronic pancreatitis; PRSS1-Related Hereditary Pancreatitis. Identifiers: Orphanet 676, MedGen C0238339, MONDO:0008185, OMIM 167800.

Submission:

Ambry Genetics
Classification: Uncertain significance for Hereditary pancreatitis. Last evaluated: 2022-05-14. Review status: criteria provided, single submitter. Criteria: Ambry Variant Classification Scheme 2023. Collection method: clinical testing. Allele origin: germline.
Comment: The p.S167G variant (also known as c.499A>G), located in coding exon 4 of the PRSS1 gene, results from an A to G substitution at nucleotide position 499. The serine at codon 167 is replaced by glycine, an amino acid with similar properties. This amino acid position is conserved. In addition, the in silico prediction for this alteration is inconclusive. Since supporting evidence is limited at this time, the clinical significance of this alteration remains unclear.

NM_002769.5(PRSS1):c.499A>G (p.Ser167Gly)

Genes: TRB (T cell receptor beta locus; plus strand), PRSS1 (serine protease 1; plus strand). Cytogenetic location: 7q34.
Variant type: single nucleotide variant.
Coding change: c.499A>G on transcript NM_002769.5 (MANE Select); coding-DNA position 499, A replaced by G.
Protein change: p.Ser167Gly; replaces serine 167 with glycine.
Molecular consequence: missense variant. On other transcripts: non-coding transcript variant (5).
Genome position (GRCh38, 1-based): chr7:142,752,475, A>G. VCF-style: chr7-142752475-A-G. GRCh37 (hg19) VCF-style: chr7-142460326-A-G.
Other names: short protein forms S167G.
Identifiers: ClinVar variation 1744632 (VCV001744632.2), dbSNP rs2485762061, ClinGen allele CA369609536.